The following is an entry in ClinVar:

NM_000535.7(PMS2):c.2306C>G (p.Ser769Cys)

Gene: PMS2 (PMS1 homolog 2, mismatch repair system component; minus strand). Cytogenetic location: 7p22.1.
Variant type: single nucleotide variant.
Coding change: c.2306C>G on transcript NM_000535.7 (MANE Select); coding-DNA position 2306, C replaced by G.
Protein change: p.Ser769Cys; replaces serine 769 with cysteine.
Molecular consequence: missense variant.
Genome position (GRCh38, 1-based): chr7:5,977,727, G>C on the plus strand (C>G on the coding strand, the complement: PMS2 is on the minus strand). VCF-style: chr7-5977727-G-C. GRCh37 (hg19) VCF-style: chr7-6017358-G-C.
Other names: c.1901C>G, p.Ser634Cys (NM_001018040.1, NM_001322003.2, NM_001322004.2 and 12 more transcripts); c.2150C>G, p.Ser717Cys (NM_001322006.2); c.1988C>G, p.Ser663Cys (NM_001322007.2, NM_001322008.2, NM_001406883.1); c.1934C>G, p.Ser645Cys (NM_001322009.2, NM_001406887.1, NM_001406888.1); c.1745C>G, p.Ser582Cys (NM_001322010.2, NM_001406906.1, NM_001406907.1); c.1373C>G, p.Ser458Cys (NM_001322011.2, NM_001322012.2); c.1733C>G, p.Ser578Cys (NM_001322013.2, NM_001406908.1, NM_001406909.1); c.2339C>G, p.Ser780Cys (NM_001322014.2); and 18 more; short protein forms S368C, S512C, S661C, S703C, S578C, S582C, S598C, S663C.
Identifiers: ClinVar variation 1789358 (VCV001789358.8), dbSNP rs1583281407, ClinGen allele CA366736067.

ClinVar aggregate classification (germline): Uncertain significance. Review status: criteria provided, multiple submitters, no conflicts (2 of 4 stars). 3 submissions from 3 submitters: Uncertain significance (3). Last evaluated 2025-04-07.

Conditions:
Hereditary cancer-predisposing syndrome. Also called: Hereditary Cancer Syndrome; Hereditary neoplastic syndrome; Tumor predisposition; Neoplastic Syndromes, Hereditary. Identifiers: Orphanet 140162, MedGen C0027672, MeSH D009386, MONDO:0015356.
Hereditary nonpolyposis colorectal neoplasms. Identifiers: MedGen C0009405, MeSH D003123.

Submissions (3):

Labcorp Genetics (formerly Invitae), Labcorp
Classification: Uncertain significance for Hereditary nonpolyposis colorectal neoplasms. Last evaluated: 2025-04-07. Review status: criteria provided, single submitter. Criteria: Invitae Variant Classification Sherloc (09022015). Collection method: clinical testing. Allele origin: germline.
Comment: This sequence change replaces serine, which is neutral and polar, with cysteine, which is neutral and slightly polar, at codon 769 of the PMS2 protein (p.Ser769Cys). The frequency data for this variant in the population databases (gnomAD) is considered unreliable due to the presence of homologous sequence, such as pseudogenes or paralogs, in the genome. This variant has not been reported in the literature in individuals affected with PMS2-related conditions. ClinVar contains an entry for this variant (Variation ID: 1789358). Invitae Evidence Modeling incorporating data from in vitro experimental studies (internal data) indicates that this missense variant is not expected to disrupt PMS2 function with a negative predictive value of 95%. In summary, the available evidence is currently insufficient to determine the role of this variant in disease. Therefore, it has been classified as a Variant of Uncertain Significance.

Color Diagnostics, LLC DBA Color Health
Classification: Uncertain significance for Hereditary cancer-predisposing syndrome. Last evaluated: 2025-03-31. Review status: criteria provided, single submitter. Criteria: ACMG Guidelines, 2015. Collection method: clinical testing. Allele origin: germline.
Comment: This missense variant replaces serine with cysteine at codon 769 of the PMS2 protein. Computational prediction suggests that this variant may have deleterious impact on protein structure and function (internally defined REVEL score threshold >= 0.7, PMID: 27666373). To our knowledge, functional studies have not been reported for this variant. This variant has not been reported in individuals affected with PMS2-related disorders in the literature. This variant has not been identified in the general population by the Genome Aggregation Database (gnomAD). The available evidence is insufficient to determine the role of this variant in disease conclusively. Therefore, this variant is classified as a Variant of Uncertain Significance.

Ambry Genetics
Classification: Uncertain significance for Hereditary cancer-predisposing syndrome. Last evaluated: 2021-08-05. Review status: criteria provided, single submitter. Criteria: Ambry Variant Classification Scheme 2023. Collection method: clinical testing. Allele origin: germline.
Comment: The p.S769C variant (also known as c.2306C>G), located in coding exon 14 of the PMS2 gene, results from a C to G substitution at nucleotide position 2306. The serine at codon 769 is replaced by cysteine, an amino acid with dissimilar properties. This amino acid position is highly conserved in available vertebrate species. In addition, this alteration is predicted to be deleterious by in silico analysis. Since supporting evidence is limited at this time, the clinical significance of this alteration remains unclear.